The following is an entry in ClinVar:

ClinVar aggregate classification (germline): Uncertain significance (1 of 4 stars; one submission).

Conditions:
Hyperekplexia 3 (HKPX3). Also called: HYPEREKPLEXIA 3, AUTOSOMAL RECESSIVE; HYPEREKPLEXIA 3, AUTOSOMAL DOMINANT. Identifiers: Orphanet 3197, MedGen C3553288, MONDO:0013827, OMIM 614618.

Submission:

Labcorp Genetics (formerly Invitae), Labcorp
Classification: Uncertain significance for Hyperekplexia 3. Last evaluated: 2021-09-24. Review status: criteria provided, single submitter. Criteria: Invitae Variant Classification Sherloc (09022015). Collection method: clinical testing. Allele origin: germline.
Comment: This sequence change replaces serine with glycine at codon 157 of the SLC6A5 protein (p.Ser157Gly). The serine residue is moderately conserved and there is a small physicochemical difference between serine and glycine. This variant is not present in population databases (ExAC no frequency). This variant has not been reported in the literature in individuals affected with SLC6A5-related conditions. Advanced modeling of protein sequence and biophysical properties (such as structural, functional, and spatial information, amino acid conservation, physicochemical variation, residue mobility, and thermodynamic stability) performed at Invitae indicates that this missense variant is not expected to disrupt SLC6A5 protein function. In summary, the available evidence is currently insufficient to determine the role of this variant in disease. Therefore, it has been classified as a Variant of Uncertain Significance.

NM_004211.5(SLC6A5):c.469A>G (p.Ser157Gly)

Gene: SLC6A5 (solute carrier family 6 member 5; plus strand). Cytogenetic location: 11p15.1.
Variant type: single nucleotide variant.
Coding change: c.469A>G on transcript NM_004211.5 (MANE Select); coding-DNA position 469, A replaced by G.
Protein change: p.Ser157Gly; replaces serine 157 with glycine.
Molecular consequence: missense variant. On other transcripts: 5 prime UTR variant (1).
Genome position (GRCh38, 1-based): chr11:20,601,594, A>G. VCF-style: chr11-20601594-A-G. GRCh37 (hg19) VCF-style: chr11-20623140-A-G.
Other names: c.-95A>G (NM_001318369.2); short protein forms S157G.
Identifiers: ClinVar variation 1381261 (VCV001381261.6), dbSNP rs1590152118, ClinGen allele CA379912334.
Genomic context (GRCh38, chr11:20,601,594, plus strand): 5'-GGCAAGGGCACCCTGGAGCGGAACAATACCCCTGTTGTGGGCTGGGTGAACATGAGCCAG[A>G]GCACCGTGGTGCTGGCCACGGATGGAATCACGTCCGTGCTCCCGGGCAGCGTGGCCACCG-3'
Protein context (NP_004202.4, residues 147-167): PVVGWVNMSQ[Ser157Gly]TVVLATDGIT